The following is an entry in ClinVar:

NM_022095.4(ZNF335):c.2500C>T (p.Pro834Ser)

Gene: ZNF335 (zinc finger protein 335; minus strand). Cytogenetic location: 20q13.12.
Variant type: single nucleotide variant.
Coding change: c.2500C>T on transcript NM_022095.4 (MANE Select); coding-DNA position 2500, C replaced by T.
Protein change: p.Pro834Ser; replaces proline 834 with serine.
Molecular consequence: missense variant.
Genome position (GRCh38, 1-based): chr20:45,953,891, G>A on the plus strand (C>T on the coding strand, the complement: ZNF335 is on the minus strand). VCF-style: chr20-45953891-G-A. GRCh37 (hg19) VCF-style: chr20-44582530-G-A.
Other names: short protein forms P834S.
Identifiers: ClinVar variation 1165196 (VCV001165196.14), dbSNP rs549937846, ClinGen allele CA9885330.

ClinVar aggregate classification (germline): Benign/Likely benign. Review status: criteria provided, multiple submitters, no conflicts (2 of 4 stars). 4 submissions from 4 submitters: Benign (2); Likely benign (1). 1 of the submissions does not count toward it. Last evaluated 2025-08-27.

Conditions:
ZNF335-related disorder. Also called: ZNF335-related condition.
Microcephalic primordial dwarfism due to ZNF335 deficiency. Also called: Primary autosomal recessive microcephaly 10. Identifiers: Orphanet 329228, MedGen C3554499, MONDO:0014043, OMIM 615095.

Allele frequency attached by ClinVar (database versions not stated): gnomAD 0.00008; TOPMed 0.00018; gnomAD exomes 0.00020 and 0.00041; ExAC 0.00031.

Submissions (4):

Labcorp Genetics (formerly Invitae), Labcorp
Classification: Benign. Last evaluated: 2025-08-27. Review status: criteria provided, single submitter. Criteria: Invitae Variant Classification Sherloc (09022015). Collection method: clinical testing. Allele origin: germline.

Genome-Nilou Lab
Classification: Benign for Microcephalic primordial dwarfism due to ZNF335 deficiency. Last evaluated: 2021-12-05. Review status: criteria provided, single submitter. Criteria: ACMG Guidelines, 2015. Collection method: clinical testing. Allele origin: germline. Affected: no.

GeneDx
Classification: Likely benign. Last evaluated: 2021-06-09. Review status: criteria provided, single submitter. Criteria: GeneDx Variant Classification Process June 2021. Collection method: clinical testing. Allele origin: germline. Affected: yes.

PreventionGenetics, part of Exact Sciences
Classification: Likely benign for ZNF335-related condition. Last evaluated: 2022-12-09. Review status: no assertion criteria provided. Collection method: clinical testing. Allele origin: germline. Not counted in ClinVar's aggregate classification.
Comment: This variant is classified as likely benign based on ACMG/AMP sequence variant interpretation guidelines (Richards et al. 2015 PMID: 25741868, with internal and published modifications).